The following is an entry in ClinVar:

ClinVar aggregate classification (germline): Likely benign (1 of 4 stars; one submission).

gnomAD v4.1: 15 of 1,612,022 alleles (0.00093%); highest among the groups gnomAD compares: Admixed American, 0.022%; no homozygotes.

Submission:

CeGaT Center for Human Genetics Tuebingen
Classification: Likely benign. Last evaluated: 2026-06-01. Review status: criteria provided, single submitter. Criteria: CeGaT Center For Human Genetics Tuebingen Variant Classification Criteria Version 2. Collection method: clinical testing. Allele origin: germline. Affected: yes. Observed: 1 variant allele.
Comment: VWA1: BP4, BP7

NM_022834.5(VWA1):c.592C>T (p.Leu198=)

Gene: VWA1 (von Willebrand factor A domain containing 1; plus strand). Cytogenetic location: 1p36.33.
Variant type: single nucleotide variant.
Coding change: c.592C>T on transcript NM_022834.5 (MANE Select); coding-DNA position 592, C replaced by T.
Protein change: p.Leu198=; no amino-acid change (leucine 198 retained).
Molecular consequence: synonymous variant. On other transcripts: 3 prime UTR variant (1).
Genome position (GRCh38, 1-based): chr1:1,437,445, C>T. VCF-style: chr1-1437445-C-T. GRCh37 (hg19) VCF-style: chr1-1372825-C-T.
Other names: c.*2C>T (NM_199121.3).
Identifiers: ClinVar variation 4875512 (VCV004875512.2).